The following is an entry in ClinVar:

NM_002337.4(LRPAP1):c.752-9C>A

Gene: LRPAP1 (LDL receptor related protein associated protein 1; minus strand). Cytogenetic location: 4p16.3.
Variant type: single nucleotide variant.
Coding change: c.752-9C>A on transcript NM_002337.4 (MANE Select); 9 bases into the intron before coding-DNA position 752, C replaced by A.
Molecular consequence: intron variant.
Genome position (GRCh38, 1-based): chr4:3,516,207, G>T on the plus strand (C>A on the coding strand, the complement: LRPAP1 is on the minus strand). VCF-style: chr4-3516207-G-T. GRCh37 (hg19) VCF-style: chr4-3517934-G-T.
Identifiers: ClinVar variation 3049703 (VCV003049703.2), dbSNP rs1214003006, ClinGen allele CA2669746407.

ClinVar aggregate classification (germline): Likely benign (0 of 4 stars; one submission).

Conditions:
LRPAP1-related disorder. Also called: LRPAP1-related condition.

Submission:

PreventionGenetics, part of Exact Sciences
Classification: Likely benign for LRPAP1-related condition. Last evaluated: 2019-07-12. Review status: no assertion criteria provided. Collection method: clinical testing. Allele origin: germline.
Comment: This variant is classified as likely benign based on ACMG/AMP sequence variant interpretation guidelines (Richards et al. 2015 PMID: 25741868, with internal and published modifications).